The following is an entry in ClinVar:

NM_001267550.2(TTN):c.72347del (p.Asn24116fs)

Genes: TTN (titin; minus strand), TTN-AS1 (TTN antisense RNA 1; plus strand). Cytogenetic location: 2q31.2.
Variant type: Deletion.
Coding change: c.72347del on transcript NM_001267550.2 (MANE Select); coding-DNA position 72347, one base deleted (A; older notation c.72347delA).
Protein change: p.Asn24116fs; shifts the reading frame from asparagine 24116.
Molecular consequence: frameshift variant.
Genome position (GRCh38, 1-based): chr2:178,573,785, T deleted on the plus strand (A on the coding strand, the reverse complement: TTN is on the minus strand); the first of 2 consecutive T bases (chr2:178,573,785-178,573,786); deleting either gives the same sequence. VCF-style (leftmost placement, unchanged base first): chr2-178573784-AT-A. GRCh37 (hg19) VCF-style: chr2-179438511-AT-A.
Other names: c.67424del, p.Asn22475fs (NM_001256850.1); c.45152del, p.Asn15051fs (NM_003319.4); c.64643del, p.Asn21548fs (NM_133378.4); c.45527del, p.Asn15176fs (NM_133432.3); c.45728del, p.Asn15243fs (NM_133437.4); c.72347delA (NM_001267550.2); short protein forms N15243fs, N15051fs, N15176fs, N21548fs, N24116fs, N22475fs.
Identifiers: ClinVar variation 520480 (VCV000520480.4), dbSNP rs1553609675, ClinGen allele CA658796039.

ClinVar aggregate classification (germline): Pathogenic. Review status: criteria provided, multiple submitters, no conflicts (2 of 4 stars). 2 submissions from 2 submitters: Pathogenic (2). Last evaluated 2025-05-27.

Conditions:
Cardiovascular phenotype. Identifiers: MedGen CN230736.
TTN-related disorder. Also called: TTN-related condition; TTN-related disease; TTN-related disorders.

Submissions (2):

Molecular Diagnostic Laboratory for Inherited Cardiovascular Disease, Montreal Heart Institute
Classification: Pathogenic for Cardiovascular phenotype. Last evaluated: 2025-05-27. Review status: criteria provided, single submitter. Criteria: ACMG Guidelines, 2015. Collection method: clinical testing. Allele origin: germline. Affected: yes.
Comment: PVS1, PM2, PS4_supp

Blueprint Genetics
Classification: Pathogenic for TTN-related disorders. Last evaluated: 2023-01-11. Review status: criteria provided, single submitter. Criteria: ACMG Guidelines, 2015. Collection method: clinical testing. Allele origin: germline. Affected: yes. Observed: 3 variant alleles.